The following is an entry in ClinVar:

NM_021957.4(GYS2):c.1012G>A (p.Gly338Arg)

Gene: GYS2 (glycogen synthase 2; minus strand). Cytogenetic location: 12p12.1.
Variant type: single nucleotide variant.
Coding change: c.1012G>A on transcript NM_021957.4 (MANE Select); coding-DNA position 1012, G replaced by A.
Protein change: p.Gly338Arg; replaces glycine 338 with arginine.
Molecular consequence: missense variant.
Genome position (GRCh38, 1-based): chr12:21,562,968, C>T on the plus strand (G>A on the coding strand, the complement: GYS2 is on the minus strand). VCF-style: chr12-21562968-C-T. GRCh37 (hg19) VCF-style: chr12-21715902-C-T.
Other names: short protein forms G338R.
Identifiers: ClinVar variation 5001545 (VCV005001545.1).

ClinVar aggregate classification (germline): Uncertain significance (1 of 4 stars; one submission).

Conditions:
GYS2-related disorder. Also called: GYS2-related condition.

gnomAD v4.1: 11 of 1,612,554 alleles (0.00068%); highest among the groups gnomAD compares: Non-Finnish European, 0.00093%; no homozygotes.

Submission:

PreventionGenetics, part of Exact Sciences
Classification: Uncertain significance for GYS2-related condition. Last evaluated: 2026-04-22. Review status: criteria provided, single submitter. Criteria: ACMG Guidelines, 2015. Collection method: clinical testing. Allele origin: germline.
Comment: The GYS2 c.1012G>A variant is predicted to result in the amino acid substitution p.Gly338Arg. To our knowledge, this variant has not been reported in the literature. This variant is reported in 0.00088% of alleles in individuals of European (Non-Finnish) descent in gnomAD. At this time, the clinical significance of this variant is uncertain due to the absence of conclusive functional and genetic evidence.